The following is an entry in ClinVar:

ClinVar aggregate classification (germline): Uncertain significance. Review status: criteria provided, multiple submitters, no conflicts (2 of 4 stars). 6 submissions from 6 submitters: Uncertain significance (6). Last evaluated 2025-06-24.

Conditions:
Cardiomyopathy (CMYO). Also called: Cardiomyopathies. Identifiers: Orphanet 167848, MedGen C0878544, MONDO:0004994, HP:0001638. Inheritance: Various modes of inheritance.
Cardiovascular phenotype. Identifiers: MedGen CN230736.
Arrhythmogenic right ventricular cardiomyopathy (ARVD). Also called: Arrhythmogenic Right Ventricular Cardiomyopathy (ARVC); Arrhythmogenic right ventricular dysplasia; Cardiomyopathy, ARVC; Arrhythmogenic cardiomyopathy. Identifiers: Orphanet 247, MedGen C0349788, MeSH D019571, MONDO:0016587. Disease mechanism: loss of function. Inheritance: Various modes of inheritance.
Arrhythmogenic right ventricular dysplasia 9 (ARVD9). Also called: Arrhythmogenic Right Ventricular Dysplasia/Cardiomyopathy 9; ARRHYTHMOGENIC RIGHT VENTRICULAR DYSPLASIA, FAMILIAL, 9. Identifiers: MedGen C1836906, MONDO:0012180, OMIM 609040.

Allele frequency attached by ClinVar (database versions not stated): gnomAD 0.00001 and 0.00002; gnomAD exomes 0.00001 and 0.00003; TOPMed 0.00001; ExAC 0.00002; ESP Exome Variant Server 0.00008; 1000 Genomes Project 30x 0.00016; 1000 Genomes Project 0.00020.
gnomAD v4.1: 22 of 1,614,034 alleles (0.0014%); highest among the groups gnomAD compares: African/African-American, 0.0027%; no homozygotes.

Submissions (6):

Color Diagnostics, LLC DBA Color Health
Classification: Uncertain significance for Cardiomyopathy. Last evaluated: 2025-06-24. Review status: criteria provided, single submitter. Criteria: ACMG Guidelines, 2015. Collection method: clinical testing. Allele origin: germline.
Comment: This missense variant replaces tryptophan with serine at codon 848 of the PKP2 protein. Computational prediction is inconclusive regarding the impact of this variant on protein structure and function. To our knowledge, functional studies have not been reported for this variant. This variant has been reported in three individuals affected with arrhythmogenic cardiomyopathy (PMID: 31737537, 35819174). This variant has been identified in 7/251448 chromosomes in the general population by the Genome Aggregation Database (gnomAD). The available evidence is insufficient to determine the role of this variant in disease conclusively. Therefore, this variant is classified as a Variant of Uncertain Significance.

Ambry Genetics
Classification: Uncertain significance for Cardiovascular phenotype. Last evaluated: 2025-06-20. Review status: criteria provided, single submitter. Criteria: Ambry Variant Classification Scheme 2023. Collection method: clinical testing. Allele origin: germline.
Comment: The p.W848S variant (also known as c.2543G>C), located in coding exon 13 of the PKP2 gene, results from a G to C substitution at nucleotide position 2543. The tryptophan at codon 848 is replaced by serine, an amino acid with highly dissimilar properties. This alteration has been reported in association with arrhythmogenic right ventricular cardiomyopathy (ARVC) (Marschall C et al. Cardiovasc Diagn Ther, 2019 Oct;9:S292-S298; Dries AM et al. Genet Med, 2021 Oct;23:1961-1968).This amino acid position is highly conserved in available vertebrate species. In addition, this alteration is predicted to be deleterious by in silico analysis. Since supporting evidence is limited at this time, the clinical significance of this alteration remains unclear.

Blueprint Genetics
Classification: Uncertain significance. Last evaluated: 2024-07-01. Review status: criteria provided, single submitter. Criteria: ACMG Guidelines, 2015. Collection method: clinical testing. Allele origin: germline.

Labcorp Genetics (formerly Invitae), Labcorp
Classification: Uncertain significance for Arrhythmogenic right ventricular dysplasia 9. Last evaluated: 2024-05-23. Review status: criteria provided, single submitter. Criteria: Invitae Variant Classification Sherloc (09022015). Collection method: clinical testing. Allele origin: germline.
Comment: This sequence change replaces tryptophan, which is neutral and slightly polar, with serine, which is neutral and polar, at codon 848 of the PKP2 protein (p.Trp848Ser). This variant is present in population databases (rs117425357, gnomAD 0.004%). This missense change has been observed in individual(s) with arrhythmogenic right ventricular cardiomyopathy (PMID: 31737537, 35819174). ClinVar contains an entry for this variant (Variation ID: 464427). An algorithm developed to predict the effect of missense changes on protein structure and function (PolyPhen-2) suggests that this variant is likely to be disruptive. In summary, the available evidence is currently insufficient to determine the role of this variant in disease. Therefore, it has been classified as a Variant of Uncertain Significance.

All of Us Research Program, National Institutes of Health
Classification: Uncertain significance for Arrhythmogenic right ventricular cardiomyopathy. Last evaluated: 2024-04-10. Review status: criteria provided, single submitter. Criteria: ACMG Guidelines, 2015. Collection method: clinical testing. Allele origin: germline. Inheritance: Autosomal dominant inheritance. Observed: 5 variant alleles, 5 heterozygotes.
Comment: This missense variant replaces tryptophan with serine at codon 848 of the PKP2 protein. Computational prediction is inconclusive regarding the impact of this variant on protein structure and function (internally defined REVEL score threshold 0.5 < inconclusive < 0.7, PMID: 27666373). To our knowledge, functional studies have not been reported for this variant. This variant has not been reported in individuals affected with cardiovascular disorders in the literature. This variant has been identified in 7/251448 chromosomes in the general population by the Genome Aggregation Database (gnomAD). The available evidence is insufficient to determine the role of this variant in disease conclusively. Therefore, this variant is classified as a Variant of Uncertain Significance.

This study involves interpretation of variants in research participants for the purpose of population health screening. Participant phenotype was not available at the time of variant classification. Additional details can be found in publication PMID: 35346344, PMCID: PMC8962531

GeneDx
Classification: Uncertain significance. Last evaluated: 2022-10-27. Review status: criteria provided, single submitter. Criteria: GeneDx Variant Classification Process June 2021. Collection method: clinical testing. Allele origin: germline. Affected: yes.
Comment: Identified in patients with ARVC in published literature (Marschall et al., 2019); In silico analysis supports that this missense variant has a deleterious effect on protein structure/function; This variant is associated with the following publications: (PMID: 35819174, 34120153, 31737537)

Literature cited by the submitters: PubMed 31737537 (cited by 3 submitters); PubMed 35819174 (cited by 3 submitters); PubMed 34120153 (cited by Ambry Genetics).

NM_001005242.3(PKP2):c.2411G>C (p.Trp804Ser)

Gene: PKP2 (plakophilin 2; minus strand). Cytogenetic location: 12p11.21.
Variant type: single nucleotide variant.
Coding change: c.2411G>C on transcript NM_001005242.3 (MANE Select); coding-DNA position 2411, G replaced by C.
Protein change: p.Trp804Ser; replaces tryptophan 804 with serine.
Molecular consequence: missense variant.
Genome position (GRCh38, 1-based): chr12:32,792,678, C>G on the plus strand (G>C on the coding strand, the complement: PKP2 is on the minus strand). VCF-style: chr12-32792678-C-G. GRCh37 (hg19) VCF-style: chr12-32945612-C-G.
Other names: c.2543G>C, p.Trp848Ser (NM_004572.4); short protein forms W848S, W804S.
Identifiers: ClinVar variation 464427 (VCV000464427.15), dbSNP rs117425357, ClinGen allele CA035817.